The following is an entry in ClinVar:

NM_001128159.3(VPS53):c.218+102C>G

Gene: VPS53 (VPS53 subunit of GARP complex; minus strand). Cytogenetic location: 17p13.3.
Variant type: single nucleotide variant.
Coding change: c.218+102C>G on transcript NM_001128159.3 (MANE Select); 102 bases into the intron after coding-DNA position 218, C replaced by G.
Molecular consequence: intron variant.
Genome position (GRCh38, 1-based): chr17:699,229, G>C on the plus strand (C>G on the coding strand, the complement: VPS53 is on the minus strand). VCF-style: chr17-699229-G-C. GRCh37 (hg19) VCF-style: chr17-602469-G-C.
Other names: c.218+102C>G (NM_018289.4, NM_001366253.2); c.-475+102C>G (NM_001366254.2).
Identifiers: ClinVar variation 670835 (VCV000670835.5), dbSNP rs2543781, ClinGen allele CA14500924.

ClinVar aggregate classification (germline): Benign. Review status: criteria provided, multiple submitters, no conflicts (2 of 4 stars). 3 submissions from 3 submitters: Benign (3). Last evaluated 2021-07-14.

Conditions:
Pontocerebellar hypoplasia type 2E. Identifiers: Orphanet 247198, MedGen C4014488, MONDO:0014370, OMIM 615851.

Allele frequency attached by ClinVar (database versions not stated): 1000 Genomes Project 30x 0.30809; 1000 Genomes Project 0.31310; TOPMed 0.36966; gnomAD 0.38294 and 0.38499; gnomAD exomes 0.48996.
gnomAD v4.1: 406,957 of 864,570 alleles (47%); highest among the groups gnomAD compares: Non-Finnish European, 52%; 102,517 homozygotes.

Submissions (3):

Genome-Nilou Lab
Classification: Benign for Pontocerebellar hypoplasia type 2E. Last evaluated: 2021-07-14. Review status: criteria provided, single submitter. Criteria: ACMG Guidelines, 2015. Collection method: clinical testing. Allele origin: germline. Affected: no.

GeneDx
Classification: Benign. Last evaluated: 2018-06-14. Review status: criteria provided, single submitter. Criteria: GeneDx Variant Classification (06012015). Collection method: clinical testing. Allele origin: germline. Affected: yes.
Comment: This variant is considered likely benign or benign based on one or more of the following criteria: it is a conservative change, it occurs at a poorly conserved position in the protein, it is predicted to be benign by multiple in silico algorithms, and/or has population frequency not consistent with disease.

Breakthrough Genomics
Classification: Benign. Review status: criteria provided, single submitter. Criteria: ACMG Guidelines, 2015. Collection method: not provided. Allele origin: germline. Inheritance: Autosomal recessive inheritance. Affected: yes.